The following is an entry in ClinVar:

ClinVar aggregate classification (germline): Uncertain significance (1 of 4 stars; one submission).

Conditions:
Hereditary nonpolyposis colorectal neoplasms. Identifiers: MedGen C0009405, MeSH D003123.

Submission:

Labcorp Genetics (formerly Invitae), Labcorp
Classification: Uncertain significance for Hereditary nonpolyposis colorectal neoplasms. Last evaluated: 2022-05-01. Review status: criteria provided, single submitter. Criteria: Invitae Variant Classification Sherloc (09022015). Collection method: clinical testing. Allele origin: germline.
Comment: In summary, the available evidence is currently insufficient to determine the role of this variant in disease. Therefore, it has been classified as a Variant of Uncertain Significance. This variant is not present in population databases (gnomAD no frequency). This sequence change replaces threonine, which is neutral and polar, with serine, which is neutral and polar, at codon 569 of the PMS2 protein (p.Thr569Ser). Advanced modeling of protein sequence and biophysical properties (such as structural, functional, and spatial information, amino acid conservation, physicochemical variation, residue mobility, and thermodynamic stability) performed at Invitae indicates that this missense variant is not expected to disrupt PMS2 protein function. This variant has not been reported in the literature in individuals affected with PMS2-related conditions.

NM_000535.7(PMS2):c.1705A>T (p.Thr569Ser)

Gene: PMS2 (PMS1 homolog 2, mismatch repair system component; minus strand). Cytogenetic location: 7p22.1.
Variant type: single nucleotide variant.
Coding change: c.1705A>T on transcript NM_000535.7 (MANE Select); coding-DNA position 1705, A replaced by T.
Protein change: p.Thr569Ser; replaces threonine 569 with serine.
Molecular consequence: missense variant. On other transcripts: non-coding transcript variant (1).
Genome position (GRCh38, 1-based): chr7:5,987,060, T>A on the plus strand (A>T on the coding strand, the complement: PMS2 is on the minus strand). VCF-style: chr7-5987060-T-A. GRCh37 (hg19) VCF-style: chr7-6026691-T-A.
Other names: c.772A>T, p.Thr258Ser (NM_001322012.2, NM_001322011.2); c.1132A>T, p.Thr378Ser (NM_001322013.2, NM_001406909.1); c.1705A>T, p.Thr569Ser (NM_001322014.2, NM_001406871.1, NM_001406872.1); c.1396A>T, p.Thr466Ser (NM_001322015.2, NM_001406882.1, NM_001406875.1 and 5 more transcripts); c.1891A>T, p.Thr631Ser (NM_001406866.1); c.1729A>T, p.Thr577Ser (NM_001406868.1); c.1597A>T, p.Thr533Ser (NM_001406869.1); c.1549A>T, p.Thr517Ser (NM_001406870.1, NM_001322006.2); and 12 more; short protein forms T312S, T382S, T411S, T466S, T577S, T414S, T434S, T461S.
Identifiers: ClinVar variation 2132466 (VCV002132466.4), dbSNP rs762151417, ClinGen allele CA366741124.
Genomic context (GRCh38, chr7:5,987,060, plus strand): 5'-CAGAACTGGAAAGAATTTCTTCTTTTTTAAAACGCTTTGTGTTTGGGGTTGCGAGATTAG[T>A]TGGCTGAGGCAAAACTCGAAATTTACATCCGGTATCTTCCTGGTTTGAATGGCAGTCCAC-3'
Protein context (NP_000526.2, residues 559-579): GCKFRVLPQP[Thr569Ser]NLATPNTKRF